The following is an entry in ClinVar:

NM_181507.2(HPS5):c.543del (p.Gln181fs)

Gene: HPS5 (HPS5 biogenesis of lysosomal organelles complex 2 subunit 2; minus strand). Cytogenetic location: 11p15.1.
Variant type: Deletion.
Coding change: c.543del on transcript NM_181507.2 (MANE Select); coding-DNA position 543, one base deleted (G; older notation c.543delG).
Protein change: p.Gln181fs; shifts the reading frame from glutamine 181.
Molecular consequence: frameshift variant.
Genome position (GRCh38, 1-based): chr11:18,309,014, C deleted on the plus strand (G on the coding strand, the reverse complement: HPS5 is on the minus strand). VCF-style (leftmost placement, unchanged base first): chr11-18309013-AC-A. GRCh37 (hg19) VCF-style: chr11-18330560-AC-A.
Other names: c.201del, p.Gln67fs (NM_007216.4); c.201delG, p.Gln67Hisfs (NM_181508.2); short protein forms Q181fs, Q67fs.
Identifiers: ClinVar variation 627333 (VCV000627333.8), dbSNP rs755827664, ClinGen allele CA5910403.
Genomic context (GRCh38, chr11:18,309,013, plus strand): 5'-TGTCACACAAGAAGGATCGAGTAAGTGAAGATATAAGTAGCCTTCCATCCAAATAATCTA[AC>A]TGTACAACACAGGAGTCAACAGTTGTGATTGTCTGAACAGGAAACATCACAAAAGCAGCA-3'

ClinVar aggregate classification (germline): Pathogenic. Review status: criteria provided, multiple submitters, no conflicts (2 of 4 stars). 3 submissions from 3 submitters: Pathogenic (2). 1 of the submissions does not count toward it. Last evaluated 2023-07-19.

Conditions:
Hermansky-Pudlak syndrome 5 (HPS5). Identifiers: Orphanet 231512, Orphanet 79430, MedGen C3888004, MONDO:0013557, OMIM 614074.
Hermansky-Pudlak syndrome (HPS). Also called: ALBINISM WITH HEMORRHAGIC DIATHESIS AND PIGMENTED RETICULOENDOTHELIAL CELLS. Identifiers: Orphanet 79430, MedGen C0079504, MONDO:0019312.

Allele frequency attached by ClinVar (database versions not stated): TOPMed below 0.00001; gnomAD 0.00001; gnomAD exomes 0.00002; ExAC 0.00003.

Submissions (3):

Labcorp Genetics (formerly Invitae), Labcorp
Classification: Pathogenic. Last evaluated: 2023-07-19. Review status: criteria provided, single submitter. Criteria: Invitae Variant Classification Sherloc (09022015). Collection method: clinical testing. Allele origin: germline.
Comment: ClinVar contains an entry for this variant (Variation ID: 627333). This premature translational stop signal has been observed in individual(s) with HPS5-related conditions (PMID: 31064749). This variant is present in population databases (rs755827664, gnomAD 0.003%). This sequence change creates a premature translational stop signal (p.Gln181Hisfs*2) in the HPS5 gene. It is expected to result in an absent or disrupted protein product. Loss-of-function variants in HPS5 are known to be pathogenic (PMID: 12548288, 15296495, 21833017, 26785811). For these reasons, this variant has been classified as Pathogenic.

NIHR Bioresource Rare Diseases, University of Cambridge
Classification: Pathogenic for Hermansky-Pudlak syndrome. Last evaluated: 2019-02-01. Review status: criteria provided, single submitter. Criteria: ACMG Guidelines, 2015. Collection method: research. Allele origin: unknown. Affected: yes. Observed: 1 homozygote. Study: ThromboGenomics.

ISTH-SSC Genomics in Thrombosis and Hemostasis, KU Leuven, Center for Molecular and Vascular Biology
Classification: Pathogenic for Hermansky-Pudlak syndrome 5. Review status: no assertion criteria provided. Collection method: research. Allele origin: unknown. Affected: yes. Not counted in ClinVar's aggregate classification.
Comment: Submitted to GoldVariant by Dr Karyn Mégy from NIHR Bioresource - Cambridge University, UK

Literature cited by the submitters: PubMed 31064749 (cited by Labcorp Genetics (formerly Invitae), Labcorp and NIHR Bioresource Rare Diseases, University of Cambridge); PubMed 12548288 (cited by Labcorp Genetics (formerly Invitae), Labcorp); PubMed 15296495 (cited by Labcorp Genetics (formerly Invitae), Labcorp); PubMed 21833017 (cited by Labcorp Genetics (formerly Invitae), Labcorp); PubMed 26785811 (cited by Labcorp Genetics (formerly Invitae), Labcorp).